The following is an entry in ClinVar:

NM_024721.5(ZFHX4):c.5828C>A (p.Thr1943Asn)

Gene: ZFHX4 (zinc finger homeobox 4; plus strand). Cytogenetic location: 8q21.13.
Variant type: single nucleotide variant.
Coding change: c.5828C>A on transcript NM_024721.5 (MANE Select); coding-DNA position 5828, C replaced by A.
Protein change: p.Thr1943Asn; replaces threonine 1943 with asparagine.
Molecular consequence: missense variant.
Genome position (GRCh38, 1-based): chr8:76,852,749, C>A. VCF-style: chr8-76852749-C-A. GRCh37 (hg19) VCF-style: chr8-77764985-C-A.
Other names: c.5750C>A, p.Thr1917Asn (NM_001410934.1); short protein forms T1917N, T1943N.
Identifiers: ClinVar variation 3905902 (VCV003905902.10).

ClinVar aggregate classification (germline): Uncertain significance (1 of 4 stars; one submission).

gnomAD v4.1: 1 of 1,613,692 alleles (0.000062%); no homozygotes.

Submission:

CeGaT Center for Human Genetics Tuebingen
Classification: Uncertain significance. Last evaluated: 2025-05-01. Review status: criteria provided, single submitter. Criteria: CeGaT Center For Human Genetics Tuebingen Variant Classification Criteria Version 2. Collection method: clinical testing. Allele origin: germline. Affected: yes. Observed: 1 variant allele.
Comment: ZFHX4: PM2:Supporting, BP4